The following is an entry in ClinVar:

NM_017617.5(NOTCH1):c.3286G>A (p.Val1096Met)

Gene: NOTCH1 (notch receptor 1; minus strand). Cytogenetic location: 9q34.3.
Variant type: single nucleotide variant.
Coding change: c.3286G>A on transcript NM_017617.5 (MANE Select); coding-DNA position 3286, G replaced by A.
Protein change: p.Val1096Met; replaces valine 1096 with methionine.
Molecular consequence: missense variant.
Genome position (GRCh38, 1-based): chr9:136,508,271, C>T on the plus strand (G>A on the coding strand, the complement: NOTCH1 is on the minus strand). VCF-style: chr9-136508271-C-T. GRCh37 (hg19) VCF-style: chr9-139402723-C-T.
Other names: short protein forms V1096M.
Identifiers: ClinVar variation 1440792 (VCV001440792.10), dbSNP rs369730402, ClinGen allele CA5340995.

ClinVar aggregate classification (germline): Conflicting classifications of pathogenicity. Review status: criteria provided, conflicting classifications (1 of 4 stars). 3 submissions from 3 submitters: Uncertain significance (2); Benign (1). Last evaluated 2025-04-17.

Conditions:
Adams-Oliver syndrome 5 (AOS5). Identifiers: Orphanet 974, MedGen C4014970, MONDO:0014459, OMIM 616028.
Familial thoracic aortic aneurysm and aortic dissection (TAAD). Also called: Thoracic aortic aneurysms and dissections. Identifiers: Orphanet 91387, MedGen C4707243, MONDO:0019625.

Allele frequency attached by ClinVar (database versions not stated): gnomAD 0.00002; gnomAD exomes 0.00002; TOPMed 0.00002; ExAC 0.00003; ESP Exome Variant Server 0.00008.
gnomAD v4.1: 23 of 1,612,628 alleles (0.0014%); highest among the groups gnomAD compares: Admixed American, 0.005%; no homozygotes.

Submissions (3):

Labcorp Genetics (formerly Invitae), Labcorp
Classification: Benign for Adams-Oliver syndrome 5. Last evaluated: 2025-04-17. Review status: criteria provided, single submitter. Criteria: Invitae Variant Classification Sherloc (09022015). Collection method: clinical testing. Allele origin: germline.

GeneDx
Classification: Uncertain significance. Last evaluated: 2022-09-14. Review status: criteria provided, single submitter. Criteria: GeneDx Variant Classification Process June 2021. Collection method: clinical testing. Allele origin: germline. Affected: yes.
Comment: In silico analysis supports that this missense variant does not alter protein structure/function; Has not been previously published as pathogenic or benign to our knowledge

Ambry Genetics
Classification: Uncertain significance for Familial thoracic aortic aneurysm and aortic dissection. Last evaluated: 2022-07-07. Review status: criteria provided, single submitter. Criteria: Ambry Variant Classification Scheme 2023. Collection method: clinical testing. Allele origin: germline.
Comment: The p.V1096M variant (also known as c.3286G>A), located in coding exon 20 of the NOTCH1 gene, results from a G to A substitution at nucleotide position 3286. The valine at codon 1096 is replaced by methionine, an amino acid with highly similar properties. This amino acid position is well conserved in available vertebrate species. In addition, the in silico prediction for this alteration is inconclusive. Since supporting evidence is limited at this time, the clinical significance of this alteration remains unclear.